The following is an entry in ClinVar:

ClinVar aggregate classification (germline): Benign (1 of 4 stars; one submission).

Allele frequency attached by ClinVar (database versions not stated): 1000 Genomes Project 0.92073; 1000 Genomes Project 30x 0.92364; TOPMed 0.93034; gnomAD 0.93225 and 0.93559.
gnomAD v4.1: 141,999 of 152,286 alleles (93%); highest among the groups gnomAD compares: African/African-American, 94%; 66,237 homozygotes.

Submission:

GeneDx
Classification: Benign. Last evaluated: 2018-06-14. Review status: criteria provided, single submitter. Criteria: GeneDx Variant Classification (06012015). Collection method: clinical testing. Allele origin: germline. Affected: yes.
Comment: This variant is considered likely benign or benign based on one or more of the following criteria: it is a conservative change, it occurs at a poorly conserved position in the protein, it is predicted to be benign by multiple in silico algorithms, and/or has population frequency not consistent with disease.

NM_001377.3(DYNC2H1):c.8946+215A>T

Gene: DYNC2H1 (dynein cytoplasmic 2 heavy chain 1; plus strand). Cytogenetic location: 11q22.3.
Variant type: single nucleotide variant.
Coding change: c.8946+215A>T on transcript NM_001377.3 (MANE Select); 215 bases into the intron after coding-DNA position 8946, A replaced by T.
Molecular consequence: intron variant.
Genome position (GRCh38, 1-based): chr11:103,220,243, A>T. VCF-style: chr11-103220243-A-T. GRCh37 (hg19) VCF-style: chr11-103090972-A-T.
Other names: c.8946+215A>T (NM_001080463.2).
Identifiers: ClinVar variation 667727 (VCV000667727.1), dbSNP rs683629, ClinGen allele CA227417091.